The following is an entry in ClinVar:

NM_018297.4(NGLY1):c.882-3C>G

Gene: NGLY1 (N-glycanase 1; minus strand). Cytogenetic location: 3p24.2.
Variant type: single nucleotide variant.
Coding change: c.882-3C>G on transcript NM_018297.4 (MANE Select); 3 bases into the intron before coding-DNA position 882, C replaced by G.
Molecular consequence: intron variant.
Genome position (GRCh38, 1-based): chr3:25,737,458, G>C on the plus strand (C>G on the coding strand, the complement: NGLY1 is on the minus strand). VCF-style: chr3-25737458-G-C. GRCh37 (hg19) VCF-style: chr3-25778949-G-C.
Other names: c.756-3C>G (NM_001145294.2); c.882-3C>G (NM_001145295.2, NM_001145293.2).
Identifiers: ClinVar variation 3364167 (VCV003364167.1).

ClinVar aggregate classification (germline): Uncertain significance (1 of 4 stars; one submission).

Submission:

GeneDx
Classification: Uncertain significance. Last evaluated: 2023-11-18. Review status: criteria provided, single submitter. Criteria: GeneDx Variant Classification Process June 2021. Collection method: clinical testing. Allele origin: germline. Affected: yes.
Comment: Not observed at significant frequency in large population cohorts (gnomAD); In silico analysis supports a deleterious effect on splicing; Has not been previously published as pathogenic or benign to our knowledge